The following is an entry in ClinVar:

NM_000046.5(ARSB):c.406G>A (p.Ala136Thr)

Gene: ARSB (arylsulfatase B; minus strand). Cytogenetic location: 5q14.1.
Variant type: single nucleotide variant.
Coding change: c.406G>A on transcript NM_000046.5 (MANE Select); coding-DNA position 406, G replaced by A.
Protein change: p.Ala136Thr; replaces alanine 136 with threonine.
Molecular consequence: missense variant.
Genome position (GRCh38, 1-based): chr5:78,969,099, C>T on the plus strand (G>A on the coding strand, the complement: ARSB is on the minus strand). VCF-style: chr5-78969099-C-T. GRCh37 (hg19) VCF-style: chr5-78264922-C-T.
Other names: p.Ala136Thr; c.406G>A, p.Ala136Thr (NM_198709.3); short protein forms A136T.
Identifiers: ClinVar variation 354314 (VCV000354314.17), dbSNP rs146704780, ClinGen allele CA3318275.
Genomic context (GRCh38, chr5:78,969,099, plus strand): 5'-GGCATTCTTTCCGGTACATTCCCAGGTGCCATTTTCCGACCATATGGGTAGTATAACCTG[C>T]TTCTTTTAGGAGCTGGGGCAGGAGTTTTTCATCCAGAGGAACACAGCTGGGCTGACAGGG-3'
Protein context (NP_000037.2, residues 126-146): EKLLPQLLKE[Ala136Thr]GYTTHMVGKW

ClinVar aggregate classification (germline): Uncertain significance. Review status: criteria provided, multiple submitters, no conflicts (2 of 4 stars). 8 submissions from 8 submitters: Uncertain significance (7). 1 of the submissions does not count toward it. Last evaluated 2026-07-14.

Conditions:
Mucopolysaccharidosis type 6 (MPS6). Also called: ARSB DEFICIENCY; ARYLSULFATASE B DEFICIENCY; MPS VI; N-ACETYLGALACTOSAMINE-4-SULFATASE DEFICIENCY; MPS 6; Maroteaux Lamy syndrome. Identifiers: Orphanet 583, MedGen C0026709, MONDO:0009661, OMIM 253200.
ARSB-related disorder. Also called: ARSB-related condition.

Allele frequency attached by ClinVar (database versions not stated): ExAC 0.00004; gnomAD exomes 0.00005 and 0.00007; ESP Exome Variant Server 0.00031; gnomAD 0.00042 and 0.00045; 1000 Genomes Project 30x 0.00078; 1000 Genomes Project 0.00080; TOPMed 0.00087.
gnomAD v4.1: 162 of 1,614,170 alleles (0.01%); highest among the groups gnomAD compares: Middle Eastern, 0.12%; no homozygotes.

Submissions (8):

PreventionGenetics, part of Exact Sciences
Classification: Uncertain significance for ARSB-related condition. Last evaluated: 2026-07-14. Review status: criteria provided, single submitter. Criteria: ACMG Guidelines, 2015. Collection method: clinical testing. Allele origin: germline.
Comment: The ARSB c.406G>A variant is predicted to result in the amino acid substitution p.Ala136Thr. To our knowledge, this variant has not been reported in the literature. This variant is reported in 0.023% of alleles in individuals of Latino descent in gnomAD. At this time, the clinical significance of this variant is uncertain due to the absence of conclusive functional and genetic evidence.

Labcorp Genetics (formerly Invitae), Labcorp
Classification: Uncertain significance for Mucopolysaccharidosis type 6. Last evaluated: 2026-01-12. Review status: criteria provided, single submitter. Criteria: Invitae Variant Classification Sherloc (09022015). Collection method: clinical testing. Allele origin: germline.
Comment: This sequence change replaces alanine, which is neutral and non-polar, with threonine, which is neutral and polar, at codon 136 of the ARSB protein (p.Ala136Thr). This variant is present in population databases (rs146704780, gnomAD 0.02%). This variant has not been reported in the literature in individuals affected with ARSB-related conditions. ClinVar contains an entry for this variant (Variation ID: 354314). Invitae Evidence Modeling of protein sequence and biophysical properties (such as structural, functional, and spatial information, amino acid conservation, physicochemical variation, residue mobility, and thermodynamic stability) indicates that this missense variant is expected to disrupt ARSB protein function with a positive predictive value of 95%. In summary, the available evidence is currently insufficient to determine the role of this variant in disease. Therefore, it has been classified as a Variant of Uncertain Significance.

Fulgent Genetics
Classification: Uncertain significance for Mucopolysaccharidosis type 6. Last evaluated: 2024-04-30. Review status: criteria provided, single submitter. Criteria: ACMG Guidelines, 2015. Collection method: clinical testing. Allele origin: germline.

Blueprint Genetics
Classification: Uncertain significance. Last evaluated: 2024-03-11. Review status: criteria provided, single submitter. Criteria: ACMG Guidelines, 2015. Collection method: clinical testing. Allele origin: germline.

Mayo Clinic Laboratories, Mayo Clinic
Classification: Uncertain significance. Last evaluated: 2023-03-01. Review status: criteria provided, single submitter. Criteria: ACMG Guidelines, 2015. Collection method: clinical testing. Allele origin: germline. Observed: 1 variant allele.
Comment: PM2

Laboratorio de Genetica e Diagnostico Molecular, Hospital Israelita Albert Einstein
Classification: Uncertain significance. Last evaluated: 2019-11-01. Review status: criteria provided, single submitter. Criteria: ACMG Guidelines, 2015. Collection method: clinical testing. Allele origin: germline. Affected: yes.
Comment: ACMG classification criteria: PP3

Illumina Laboratory Services, Illumina
Classification: Uncertain significance for Mucopolysaccharidosis type 6. Last evaluated: 2018-01-13. Review status: criteria provided, single submitter. Criteria: ICSL Variant Classification Criteria 13 December 2019. Collection method: clinical testing. Allele origin: germline.

Natera, Inc.
Classification: Uncertain significance for Mucopolysaccharidosis type VI. Last evaluated: 2019-10-28. Review status: no assertion criteria provided. Collection method: clinical testing. Allele origin: germline. Not counted in ClinVar's aggregate classification.